The following is an entry in ClinVar:

ClinVar aggregate classification (germline): Uncertain significance (1 of 4 stars; one submission).

Allele frequency attached by ClinVar (database versions not stated): ExAC 0.00002; TOPMed 0.00005; gnomAD 0.00006; ESP Exome Variant Server 0.00023.
gnomAD v4.1: 146 of 1,613,986 alleles (0.009%); highest among the groups gnomAD compares: Middle Eastern, 0.016%; no homozygotes.

Submission:

Labcorp Genetics (formerly Invitae), Labcorp
Classification: Uncertain significance. Last evaluated: 2022-05-22. Review status: criteria provided, single submitter. Criteria: Invitae Variant Classification Sherloc (09022015). Collection method: clinical testing. Allele origin: germline.
Comment: This sequence change replaces arginine, which is basic and polar, with tryptophan, which is neutral and slightly polar, at codon 439 of the TOE1 protein (p.Arg439Trp). This variant is present in population databases (rs377031691, gnomAD 0.03%). This variant has not been reported in the literature in individuals affected with TOE1-related conditions. Algorithms developed to predict the effect of missense changes on protein structure and function (SIFT, PolyPhen-2, Align-GVGD) all suggest that this variant is likely to be disruptive. In summary, the available evidence is currently insufficient to determine the role of this variant in disease. Therefore, it has been classified as a Variant of Uncertain Significance.

NM_025077.4(TOE1):c.1315C>T (p.Arg439Trp)

Gene: TOE1 (target of EGR1, exonuclease; plus strand). Cytogenetic location: 1p34.1.
Variant type: single nucleotide variant.
Coding change: c.1315C>T on transcript NM_025077.4 (MANE Select); coding-DNA position 1315, C replaced by T.
Protein change: p.Arg439Trp; replaces arginine 439 with tryptophan.
Molecular consequence: missense variant.
Genome position (GRCh38, 1-based): chr1:45,343,484, C>T. VCF-style: chr1-45343484-C-T. GRCh37 (hg19) VCF-style: chr1-45809156-C-T.
Other names: short protein forms R439W.
Identifiers: ClinVar variation 1906868 (VCV001906868.2), dbSNP rs377031691, ClinGen allele CA826813.
Genomic context (GRCh38, chr1:45,343,484, plus strand): 5'-ACCTCAGAAGTGCCAGGGAGCCAAGCCAGTCCTAACCCAGTGCCTGGGGATGGATTGCAC[C>T]GGGCTGGTTTTGATGCCTTTATGACAGGTTATGTGATGGCCTATGTGGAAGTGAGCCAGG-3'
Protein context (NP_079353.3, residues 429-449): PNPVPGDGLH[Arg439Trp]AGFDAFMTGY